The following is an entry in ClinVar:

NM_001379500.1(COL18A1):c.2379+7C>T

Gene: COL18A1 (collagen type XVIII alpha 1 chain; plus strand). Cytogenetic location: 21q22.3.
Variant type: single nucleotide variant.
Coding change: c.2379+7C>T on transcript NM_001379500.1 (MANE Select); 7 bases into the intron after coding-DNA position 2379, C replaced by T.
Molecular consequence: intron variant.
Genome position (GRCh38, 1-based): chr21:45,494,578, C>T. VCF-style: chr21-45494578-C-T. GRCh37 (hg19) VCF-style: chr21-46914492-C-T.
Other names: NM_130445.2:c.2379+7C>T; c.2919+7C>T (NM_030582.3, NM_030582.4); c.3624+7C>T (NM_130444.3).
Identifiers: ClinVar variation 340243 (VCV000340243.39), dbSNP rs202100967, ClinGen allele CA10067029.

ClinVar aggregate classification (germline): Benign/Likely benign. Review status: criteria provided, multiple submitters, no conflicts (2 of 4 stars). 6 submissions from 6 submitters: Benign (1); Likely benign (4). 1 of the submissions does not count toward it. Last evaluated 2026-09-01.

Conditions:
COL18A1-related disorder. Also called: COL18A1-related condition; COL18A1-related disorders.
Knobloch syndrome (KNO). Also called: Myopia retinal detachment encephalocele; RETINAL DETACHMENT AND OCCIPITAL ENCEPHALOCELE. Identifiers: Orphanet 1571, MedGen C1849409, MONDO:0800166.

Allele frequency attached by ClinVar (database versions not stated): 1000 Genomes Project 30x 0.00078; 1000 Genomes Project 0.00080; ESP Exome Variant Server 0.00115; TOPMed 0.00221; ExAC 0.00366; gnomAD 0.00369 and 0.00379; gnomAD exomes 0.00382 and 0.00392.
gnomAD v4.1: 6,137 of 1,613,074 alleles (0.38%); highest among the groups gnomAD compares: Non-Finnish European, 0.37%; 27 homozygotes.

Submissions (6):

CeGaT Center for Human Genetics Tuebingen
Classification: Likely benign. Last evaluated: 2026-09-01. Review status: criteria provided, single submitter. Criteria: CeGaT Center For Human Genetics Tuebingen Variant Classification Criteria Version 2. Collection method: clinical testing. Allele origin: germline. Affected: yes. Observed: 18 variant alleles.
Comment: COL18A1: BP4, BS2

Labcorp Genetics (formerly Invitae), Labcorp
Classification: Benign. Last evaluated: 2026-02-02. Review status: criteria provided, single submitter. Criteria: Invitae Variant Classification Sherloc (09022015). Collection method: clinical testing. Allele origin: germline.

Blueprint Genetics
Classification: Likely benign. Last evaluated: 2024-11-28. Review status: criteria provided, single submitter. Criteria: ACMG Guidelines, 2015. Collection method: clinical testing. Allele origin: germline.

Institute of Human Genetics, University of Leipzig Medical Center
Classification: Likely benign for Knobloch syndrome 1. Last evaluated: 2019-01-01. Review status: criteria provided, single submitter. Criteria: ACMG Guidelines, 2015. Collection method: clinical testing. Allele origin: unknown. Affected: yes.

Illumina Laboratory Services, Illumina
Classification: Likely benign for Knobloch syndrome 1. Last evaluated: 2018-01-13. Review status: criteria provided, single submitter. Criteria: ICSL Variant Classification Criteria 13 December 2019. Collection method: clinical testing. Allele origin: germline.
Comment: This variant was observed in the ICSL laboratory as part of a predisposition screen in an ostensibly healthy population. It had not been previously curated by ICSL or reported in the Human Gene Mutation Database (HGMD: prior to June 1st, 2018), and was therefore a candidate for classification through an automated scoring system. Utilizing variant allele frequency, disease prevalence and penetrance estimates, and inheritance mode, an automated score was calculated to assess if this variant is too frequent to cause the disease. Based on the score and internal cut-off values, a variant classified as likely benign is not then subjected to further curation. The score for this variant resulted in a classification of likely benign for this disease.

PreventionGenetics, part of Exact Sciences
Classification: Benign for COL18A1-related condition. Last evaluated: 2024-05-23. Review status: no assertion criteria provided. Collection method: clinical testing. Allele origin: germline. Not counted in ClinVar's aggregate classification.
Comment: This variant is classified as benign based on ACMG/AMP sequence variant interpretation guidelines (Richards et al. 2015 PMID: 25741868, with internal and published modifications).